The following is an entry in ClinVar:

ClinVar aggregate classification (germline): Uncertain significance (1 of 4 stars; one submission).

Conditions:
Multiple endocrine neoplasia, type 2 (MEN2). Identifiers: Orphanet 653, MedGen C4048306, MONDO:0019003. Disease mechanism: gain of function.

Submission:

Labcorp Genetics (formerly Invitae), Labcorp
Classification: Uncertain significance for Multiple endocrine neoplasia, type 2. Last evaluated: 2022-07-11. Review status: criteria provided, single submitter. Criteria: Invitae Variant Classification Sherloc (09022015). Collection method: clinical testing. Allele origin: germline.
Comment: In summary, the available evidence is currently insufficient to determine the role of this variant in disease. Therefore, it has been classified as a Variant of Uncertain Significance. Algorithms developed to predict the effect of missense changes on protein structure and function are either unavailable or do not agree on the potential impact of this missense change (SIFT: "Deleterious"; PolyPhen-2: "Probably Damaging"; Align-GVGD: "Class C0"). ClinVar contains an entry for this variant (Variation ID: 953640). This variant has not been reported in the literature in individuals affected with RET-related conditions. This variant is not present in population databases (gnomAD no frequency). This sequence change replaces leucine, which is neutral and non-polar, with phenylalanine, which is neutral and non-polar, at codon 726 of the RET protein (p.Leu726Phe).

NM_020975.6(RET):c.2176C>T (p.Leu726Phe)

Gene: RET (ret proto-oncogene; plus strand). Cytogenetic location: 10q11.21.
Variant type: single nucleotide variant.
Coding change: c.2176C>T on transcript NM_020975.6 (MANE Select); coding-DNA position 2176, C replaced by T.
Protein change: p.Leu726Phe; replaces leucine 726 with phenylalanine.
Molecular consequence: missense variant.
Genome position (GRCh38, 1-based): chr10:43,116,623, C>T. VCF-style: chr10-43116623-C-T. GRCh37 (hg19) VCF-style: chr10-43612071-C-T.
Other names: c.2176C>T, p.Leu726Phe (NM_000323.2, NM_001406743.1, NM_001406744.1 and 4 more transcripts); c.1414C>T, p.Leu472Phe (NM_001355216.2); c.2047C>T, p.Leu683Phe (NM_001406761.1, NM_001406762.1, NM_001406764.1); c.2041C>T, p.Leu681Phe (NM_001406763.1, NM_001406765.1); c.1888C>T, p.Leu630Phe (NM_001406766.1, NM_001406767.1, NM_001406770.1); c.1912C>T, p.Leu638Phe (NM_001406768.1); c.1780C>T, p.Leu594Phe (NM_001406769.1, NM_001406772.1); c.1738C>T, p.Leu580Phe (NM_001406771.1, NM_001406773.1); and 10 more; short protein forms L726F, L472F, L396F, L484F, L681F, L551F, L580F, L638F.
Identifiers: ClinVar variation 953640 (VCV000953640.10), dbSNP rs1838076418, ClinGen allele CA376554348.